The following is an entry in ClinVar:

NM_014967.5(FAN1):c.731C>T (p.Ala244Val)

Gene: FAN1 (FANCD2 and FANCI associated nuclease 1; plus strand). Cytogenetic location: 15q13.3.
Variant type: single nucleotide variant.
Coding change: c.731C>T on transcript NM_014967.5 (MANE Select); coding-DNA position 731, C replaced by T.
Protein change: p.Ala244Val; replaces alanine 244 with valine.
Molecular consequence: missense variant.
Genome position (GRCh38, 1-based): chr15:30,905,394, C>T. VCF-style: chr15-30905394-C-T. GRCh37 (hg19) VCF-style: chr15-31197597-C-T.
Other names: c.731C>T, p.Ala244Val (NM_001146094.2, NM_001146095.1, NM_001146096.2); short protein forms A244V.
Identifiers: ClinVar variation 2892803 (VCV002892803.3), dbSNP rs200798913, ClinGen allele CA7450118.

ClinVar aggregate classification (germline): Uncertain significance (1 of 4 stars; one submission).

Allele frequency attached by ClinVar (database versions not stated): gnomAD exomes 0.00001; gnomAD 0.00005; TOPMed 0.00006; ExAC 0.00012; 1000 Genomes Project 30x 0.00062; 1000 Genomes Project 0.00080.
gnomAD v4.1: 26 of 1,614,134 alleles (0.0016%); highest among the groups gnomAD compares: East Asian, 0.053%; no homozygotes.

Submission:

Labcorp Genetics (formerly Invitae), Labcorp
Classification: Uncertain significance. Last evaluated: 2023-04-28. Review status: criteria provided, single submitter. Criteria: Invitae Variant Classification Sherloc (09022015). Collection method: clinical testing. Allele origin: germline.
Comment: In summary, the available evidence is currently insufficient to determine the role of this variant in disease. Therefore, it has been classified as a Variant of Uncertain Significance. Algorithms developed to predict the effect of missense changes on protein structure and function output the following: SIFT: "Not Available"; PolyPhen-2: "Benign"; Align-GVGD: "Not Available". The valine amino acid residue is found in multiple mammalian species, which suggests that this missense change does not adversely affect protein function. This variant has not been reported in the literature in individuals affected with FAN1-related conditions. This variant is present in population databases (rs200798913, gnomAD 0.1%). This sequence change replaces alanine, which is neutral and non-polar, with valine, which is neutral and non-polar, at codon 244 of the FAN1 protein (p.Ala244Val).